The following is an entry in ClinVar:

ClinVar aggregate classification (germline): Uncertain significance (1 of 4 stars; one submission).

Conditions:
PHIP-related disorder. Also called: PHIP-related disorders; PHIP-related condition.

gnomAD v4.1: 2 of 1,613,354 alleles (0.00012%); highest among the groups gnomAD compares: Non-Finnish European, 0.00017%; no homozygotes.

Submission:

PreventionGenetics, part of Exact Sciences
Classification: Uncertain significance for PHIP-related condition. Last evaluated: 2025-09-02. Review status: criteria provided, single submitter. Criteria: ACMG Guidelines, 2015. Collection method: clinical testing. Allele origin: germline.
Comment: The PHIP c.1754T>C variant is predicted to result in the amino acid substitution p.Met585Thr. To our knowledge, this variant has not been reported in the literature or in a large population database (gnomAD), indicating this variant is rare. At this time, the clinical significance of this variant is uncertain due to the absence of conclusive functional and genetic evidence.

NM_017934.7(PHIP):c.1754T>C (p.Met585Thr)

Gene: PHIP (PHIP subunit of CUL4-Ring ligase complex; minus strand). Cytogenetic location: 6q14.1.
Variant type: single nucleotide variant.
Coding change: c.1754T>C on transcript NM_017934.7 (MANE Select); coding-DNA position 1754, T replaced by C.
Protein change: p.Met585Thr; replaces methionine 585 with threonine.
Molecular consequence: missense variant.
Genome position (GRCh38, 1-based): chr6:79,002,024, A>G on the plus strand (T>C on the coding strand, the complement: PHIP is on the minus strand). VCF-style: chr6-79002024-A-G. GRCh37 (hg19) VCF-style: chr6-79711741-A-G.
Other names: short protein forms M585T.
Identifiers: ClinVar variation 4985754 (VCV004985754.1).